The following is an entry in ClinVar:

NM_000057.4(BLM):c.352G>A (p.Val118Ile)

Gene: BLM (BLM RecQ like helicase; plus strand). Cytogenetic location: 15q26.1.
Variant type: single nucleotide variant.
Coding change: c.352G>A on transcript NM_000057.4 (MANE Select); coding-DNA position 352, G replaced by A.
Protein change: p.Val118Ile; replaces valine 118 with isoleucine.
Molecular consequence: missense variant. On other transcripts: 5 prime UTR variant (1).
Genome position (GRCh38, 1-based): chr15:90,749,620, G>A. VCF-style: chr15-90749620-G-A. GRCh37 (hg19) VCF-style: chr15-91292850-G-A.
Other names: c.352G>A, p.Val118Ile (NM_001287246.2, NM_001287247.2); c.-940G>A (NM_001287248.2); short protein forms V118I.
Identifiers: ClinVar variation 1928164 (VCV001928164.6), dbSNP rs2151147166, ClinGen allele CA393840368.

ClinVar aggregate classification (germline): Uncertain significance. Review status: criteria provided, multiple submitters, no conflicts (2 of 4 stars). 2 submissions from 2 submitters: Uncertain significance (2). Last evaluated 2025-07-10.

Conditions:
Hereditary cancer-predisposing syndrome. Also called: Hereditary Cancer Syndrome; Hereditary neoplastic syndrome; Neoplastic Syndromes, Hereditary; Tumor predisposition. Identifiers: Orphanet 140162, MedGen C0027672, MeSH D009386, MONDO:0015356.
Bloom syndrome (BLM). Also called: Bloom-Torre-Machacek syndrome. Identifiers: Orphanet 125, MedGen C0005859, MONDO:0008876, OMIM 210900.

Submissions (2):

Ambry Genetics
Classification: Uncertain significance for Hereditary cancer-predisposing syndrome. Last evaluated: 2025-07-10. Review status: criteria provided, single submitter. Criteria: Ambry Variant Classification Scheme 2023. Collection method: clinical testing. Allele origin: germline.
Comment: The p.V118I variant (also known as c.352G>A), located in coding exon 2 of the BLM gene, results from a G to A substitution at nucleotide position 352. The valine at codon 118 is replaced by isoleucine, an amino acid with highly similar properties. This amino acid position is conserved. In addition, this alteration is predicted to be tolerated by in silico analysis. Based on the available evidence, the clinical significance of this variant remains unclear.

Labcorp Genetics (formerly Invitae), Labcorp
Classification: Uncertain significance for Bloom syndrome. Last evaluated: 2023-02-14. Review status: criteria provided, single submitter. Criteria: Invitae Variant Classification Sherloc (09022015). Collection method: clinical testing. Allele origin: germline.
Comment: In summary, the available evidence is currently insufficient to determine the role of this variant in disease. Therefore, it has been classified as a Variant of Uncertain Significance. Algorithms developed to predict the effect of missense changes on protein structure and function (SIFT, PolyPhen-2, Align-GVGD) all suggest that this variant is likely to be tolerated. This variant has not been reported in the literature in individuals affected with BLM-related conditions. This variant is not present in population databases (gnomAD no frequency). This sequence change replaces valine, which is neutral and non-polar, with isoleucine, which is neutral and non-polar, at codon 118 of the BLM protein (p.Val118Ile).